The following is an entry in ClinVar:

ClinVar aggregate classification (germline): Uncertain significance (1 of 4 stars; one submission).

Submission:

GeneDx
Classification: Uncertain significance. Last evaluated: 2024-05-28. Review status: criteria provided, single submitter. Criteria: GeneDx Variant Classification Process June 2021. Collection method: clinical testing. Allele origin: germline. Affected: yes.
Comment: Not observed at significant frequency in large population cohorts (gnomAD); In silico analysis supports that this missense variant has a deleterious effect on protein structure/function; Has not been previously published as pathogenic or benign to our knowledge

NM_021224.6(ZNF462):c.6106T>A (p.Phe2036Ile)

Gene: ZNF462 (zinc finger protein 462; plus strand). Cytogenetic location: 9q31.2.
Variant type: single nucleotide variant.
Coding change: c.6106T>A on transcript NM_021224.6 (MANE Select); coding-DNA position 6106, T replaced by A.
Protein change: p.Phe2036Ile; replaces phenylalanine 2036 with isoleucine.
Molecular consequence: missense variant.
Genome position (GRCh38, 1-based): chr9:106,932,539, T>A. VCF-style: chr9-106932539-T-A. GRCh37 (hg19) VCF-style: chr9-109694820-T-A.
Other names: c.3511T>A, p.Phe1171Ile (NM_001347997.2); short protein forms F1171I, F2036I.
Identifiers: ClinVar variation 3383623 (VCV003383623.1).
Genomic context (GRCh38, chr9:106,932,539, plus strand): 5'-CTGGCCATGTTTACCCGCGAGGACAAGTACAGCTGCCAGTATTGCTCGTTTGTTTCTGCT[T>A]TCAGGCACAAGTAAGTGCTATTGGGGGGTCACTAGTGGTTACTGGGAGATGATGTCATAG-3'
Protein context (NP_067047.4, residues 2026-2046): SCQYCSFVSA[Phe2036Ile]RHNLDRHMQT